The following is an entry in ClinVar:

ClinVar aggregate classification (germline): Uncertain significance. Review status: criteria provided, multiple submitters, no conflicts (2 of 4 stars). 2 submissions from 2 submitters: Uncertain significance (2). Last evaluated 2025-11-25.

Conditions:
Cataract 18 (CATC2). Also called: CATARACT 18, AUTOSOMAL RECESSIVE. Identifiers: Orphanet 91492, Orphanet 98991, Orphanet 98992, Orphanet 98995, MedGen C1864908, MONDO:0012395, OMIM 610019.
Inborn genetic diseases. Identifiers: MedGen C0950123, MeSH D030342.

gnomAD v4.1: 5 of 1,613,778 alleles (0.00031%); highest among the groups gnomAD compares: African/African-American, 0.0013%; no homozygotes.

Submissions (2):

Ambry Genetics
Classification: Uncertain significance for Inborn genetic diseases. Last evaluated: 2025-11-25. Review status: criteria provided, single submitter. Criteria: Ambry Variant Classification Scheme 2023. Collection method: clinical testing. Allele origin: germline.

Labcorp Genetics (formerly Invitae), Labcorp
Classification: Uncertain significance for Cataract 18. Last evaluated: 2025-10-09. Review status: criteria provided, single submitter. Criteria: Invitae Variant Classification Sherloc (09022015). Collection method: clinical testing. Allele origin: germline.
Comment: This sequence change replaces aspartic acid, which is acidic and polar, with asparagine, which is neutral and polar, at codon 602 of the FYCO1 protein (p.Asp602Asn). This variant is not present in population databases (gnomAD no frequency). This variant has not been reported in the literature in individuals affected with FYCO1-related conditions. Invitae Evidence Modeling of protein sequence and biophysical properties (such as structural, functional, and spatial information, amino acid conservation, physicochemical variation, residue mobility, and thermodynamic stability) indicates that this missense variant is not expected to disrupt FYCO1 protein function with a negative predictive value of 80%. In summary, the available evidence is currently insufficient to determine the role of this variant in disease. Therefore, it has been classified as a Variant of Uncertain Significance.

NM_024513.4(FYCO1):c.1804G>A (p.Asp602Asn)

Gene: FYCO1 (FYVE and coiled-coil domain autophagy adaptor 1; minus strand). Cytogenetic location: 3p21.31.
Variant type: single nucleotide variant.
Coding change: c.1804G>A on transcript NM_024513.4 (MANE Select); coding-DNA position 1804, G replaced by A.
Protein change: p.Asp602Asn; replaces aspartic acid 602 with asparagine.
Molecular consequence: missense variant. On other transcripts: non-coding transcript variant (1).
Genome position (GRCh38, 1-based): chr3:45,967,530, C>T on the plus strand (G>A on the coding strand, the complement: FYCO1 is on the minus strand). VCF-style: chr3-45967530-C-T. GRCh37 (hg19) VCF-style: chr3-46009022-C-T.
Other names: c.1804G>A, p.Asp602Asn (NM_001386421.1, NM_001386422.1, NM_001386423.1 and 4 more transcripts); c.1684G>A, p.Asp562Asn (NM_001386426.1); c.1660G>A, p.Asp554Asn (NM_001386427.1); c.1204G>A, p.Asp402Asn (NM_001386430.1); short protein forms D554N, D402N, D602N, D562N.
Identifiers: ClinVar variation 4620440 (VCV004620440.2).